The following is an entry in ClinVar:

ClinVar aggregate classification (germline): Conflicting classifications of pathogenicity. Review status: criteria provided, conflicting classifications (1 of 4 stars). 6 submissions from 6 submitters: Likely pathogenic (1); Uncertain significance (3). 2 of the submissions do not count toward it. Last evaluated 2025-07-09.

Conditions:
Polycystic liver disease 4 with or without kidney cysts. Identifiers: MedGen C4693479, MONDO:0044327, OMIM 617875.
Bone mineral density quantitative trait locus 1 (BMND1). Identifiers: MedGen C1866079, OMIM 601884.
Worth disease. Also called: ENDOSTEAL HYPEROSTOSIS, AUTOSOMAL DOMINANT; OSTEOSCLEROSIS, AUTOSOMAL DOMINANT; Autosomal dominant osteosclerosis, Worth type. Identifiers: Orphanet 2790, MedGen C0432273, MONDO:0007764, OMIM 144750.
Exudative vitreoretinopathy 4 (EVR4). Identifiers: Orphanet 891, MedGen C1866176, MONDO:0011151, OMIM 601813.
Autosomal dominant osteopetrosis 1 (OPTA1). Also called: OSTEOPETROSIS, AUTOSOMAL DOMINANT, TYPE I. Identifiers: Orphanet 2783, MedGen C1843330, MONDO:0011877, OMIM 607634.
Osteoporosis with pseudoglioma (OPPG). Also called: osteoporosis-pseudoglioma syndrome. Identifiers: Orphanet 2788, MedGen C0432252, MONDO:0009820, OMIM 259770.
Retinal dystrophy. Also called: Inherited retinal dystrophy. Identifiers: Orphanet 71862, MedGen C0854723, MeSH D058499, MONDO:0019118, HP:0000556.
Osteogenesis imperfecta (OI). Identifiers: Orphanet 666, MedGen C0029434, MeSH D010013, MONDO:0019019.
Polycystic liver disease 1 (PCLD1). Also called: Polycystic liver disease 1 with or without kidney cysts. Identifiers: Orphanet 2924, MedGen C0887850, MONDO:0008265, OMIM 174050.

Allele frequency attached by ClinVar (database versions not stated): gnomAD exomes below 0.00001 and 0.00001; ExAC 0.00001; TOPMed 0.00002; ESP Exome Variant Server 0.00008.
gnomAD v4.1: 13 of 1,613,466 alleles (0.00081%); highest among the groups gnomAD compares: Non-Finnish European, 0.0011%; no homozygotes.

Submissions (6):

Labcorp Genetics (formerly Invitae), Labcorp
Classification: Uncertain significance. Last evaluated: 2025-07-09. Review status: criteria provided, single submitter. Criteria: Invitae Variant Classification Sherloc (09022015). Collection method: clinical testing. Allele origin: germline.
Comment: This sequence change replaces valine, which is neutral and non-polar, with methionine, which is neutral and non-polar, at codon 454 of the LRP5 protein (p.Val454Met). This variant is present in population databases (rs373910016, gnomAD 0.0009%). This missense change has been observed in individual(s) with polycystic liver disease (PMID: 24706814). ClinVar contains an entry for this variant (Variation ID: 183258). Invitae Evidence Modeling of protein sequence and biophysical properties (such as structural, functional, and spatial information, amino acid conservation, physicochemical variation, residue mobility, and thermodynamic stability) has been performed for this missense variant. However, the output from this modeling did not meet the statistical confidence thresholds required to predict the impact of this variant on LRP5 protein function. In summary, the available evidence is currently insufficient to determine the role of this variant in disease. Therefore, it has been classified as a Variant of Uncertain Significance.

Fulgent Genetics
Classification: Uncertain significance for Worth disease; Osteoporosis with pseudoglioma; Exudative vitreoretinopathy 4; Bone mineral density quantitative trait locus 1; Autosomal dominant osteopetrosis 1; Polycystic liver disease 4 with or without kidney cysts. Last evaluated: 2024-02-29. Review status: criteria provided, single submitter. Criteria: ACMG Guidelines, 2015. Collection method: clinical testing. Allele origin: germline.

Genome Diagnostics Laboratory, The Hospital for Sick Children
Classification: Uncertain significance for Osteogenesis imperfecta. Last evaluated: 2019-12-31. Review status: criteria provided, single submitter. Criteria: ACMG Guidelines, 2015. Collection method: clinical testing. Allele origin: germline.

Institute of Human Genetics, Univ. Regensburg, Univ. Regensburg
Classification: Likely pathogenic for Retinal dystrophy. Last evaluated: 2019-01-01. Review status: criteria provided, single submitter. Criteria: ACMG Guidelines, 2015. Collection method: clinical testing. Allele origin: germline. Affected: yes.

OMIM
Classification: Pathogenic for POLYCYSTIC LIVER DISEASE 4 WITH OR WITHOUT KIDNEY CYSTS. Last evaluated: 2014-04-08. Review status: no assertion criteria provided. Collection method: literature only. Allele origin: germline. Not counted in ClinVar's aggregate classification.

Laboratory of Gastroenterology and Hepatology, Radboud University Medical Center
No classification provided. Condition: Congenital cystic disease of liver. Review status: no classification provided. Collection method: not provided. Allele origin: germline. Not counted in ClinVar's aggregate classification.

Literature cited by the submitters: PubMed 24706814 (cited by 3 submitters).

NM_002335.4(LRP5):c.1360G>A (p.Val454Met)

Gene: LRP5 (LDL receptor related protein 5; plus strand). Cytogenetic location: 11q13.2.
Variant type: single nucleotide variant.
Coding change: c.1360G>A on transcript NM_002335.4 (MANE Select); coding-DNA position 1360, G replaced by A.
Protein change: p.Val454Met; replaces valine 454 with methionine.
Molecular consequence: missense variant. On other transcripts: 5 prime UTR variant (1).
Genome position (GRCh38, 1-based): chr11:68,386,660, G>A. VCF-style: chr11-68386660-G-A. GRCh37 (hg19) VCF-style: chr11-68154128-G-A.
Other names: c.-406G>A (NM_001291902.2); short protein forms V454M.
Identifiers: ClinVar variation 183258 (VCV000183258.11), dbSNP rs373910016, ClinGen allele CA210927.